The following is an entry in ClinVar:

ClinVar aggregate classification (germline): Uncertain significance (1 of 4 stars; one submission).

Submission:

Labcorp Genetics (formerly Invitae), Labcorp
Classification: Uncertain significance. Last evaluated: 2022-03-14. Review status: criteria provided, single submitter. Criteria: Invitae Variant Classification Sherloc (09022015). Collection method: clinical testing. Allele origin: germline.
Comment: In summary, the available evidence is currently insufficient to determine the role of this variant in disease. Therefore, it has been classified as a Variant of Uncertain Significance. Algorithms developed to predict the effect of missense changes on protein structure and function are either unavailable or do not agree on the potential impact of this missense change (SIFT: "Not Available"; PolyPhen-2: "Possibly Damaging"; Align-GVGD: "Not Available"). This variant has not been reported in the literature in individuals affected with TCF3-related conditions. This variant is not present in population databases (gnomAD no frequency). This sequence change replaces glycine, which is neutral and non-polar, with aspartic acid, which is acidic and polar, at codon 252 of the TCF3 protein (p.Gly252Asp).

NM_003200.5(TCF3):c.755G>A (p.Gly252Asp)

Gene: TCF3 (transcription factor 3; minus strand). Cytogenetic location: 19p13.3.
Variant type: single nucleotide variant.
Coding change: c.755G>A on transcript NM_003200.5 (MANE Select); coding-DNA position 755, G replaced by A.
Protein change: p.Gly252Asp; replaces glycine 252 with aspartic acid.
Molecular consequence: missense variant.
Genome position (GRCh38, 1-based): chr19:1,622,121, C>T on the plus strand (G>A on the coding strand, the complement: TCF3 is on the minus strand). VCF-style: chr19-1622121-C-T. GRCh37 (hg19) VCF-style: chr19-1622120-C-T.
Other names: c.755G>A, p.Gly252Asp (NM_001136139.4, NM_001351778.2, NM_001351779.2); short protein forms G252D.
Identifiers: ClinVar variation 2111589 (VCV002111589.4), dbSNP rs2062312840, ClinGen allele CA403055594.
Genomic context (GRCh38, chr19:1,622,121, plus strand): 5'-TCGTGCTGGTGCAGGCCACCAAACGTGCTGCTGCTTCCACTGCTGCCCACCGGGCCGCTA[C>T]CGGGCGGGAGGGGCAGCGGGGATGAGCCCCCACCCAGCATGGGCCCGAAGCCCGCCTGGC-3'
Protein context (NP_003191.1, residues 242-262): GGSSPLPLPP[Gly252Asp]SGPVGSSGSS